The following is an entry in ClinVar:

NM_006946.4(SPTBN2):c.1897C>T (p.Arg633Trp)

Gene: SPTBN2 (spectrin beta, non-erythrocytic 2; minus strand). Cytogenetic location: 11q13.2.
Variant type: single nucleotide variant.
Coding change: c.1897C>T on transcript NM_006946.4 (MANE Select); coding-DNA position 1897, C replaced by T.
Protein change: p.Arg633Trp; replaces arginine 633 with tryptophan.
Molecular consequence: missense variant.
Genome position (GRCh38, 1-based): chr11:66,705,379, G>A on the plus strand (C>T on the coding strand, the complement: SPTBN2 is on the minus strand). VCF-style: chr11-66705379-G-A. GRCh37 (hg19) VCF-style: chr11-66472850-G-A.
Other names: p.Arg633Trp; c.1918C>T, p.Arg640Trp (NM_001411025.1); c.1897C>T (NM_006946.3); short protein forms R633W, R640W.
Identifiers: ClinVar variation 1804275 (VCV001804275.2), dbSNP rs137898701, ClinGen allele CA6129224.

ClinVar aggregate classification (germline): Uncertain significance. Review status: criteria provided, multiple submitters, no conflicts (2 of 4 stars). 2 submissions from 2 submitters: Uncertain significance (2). Last evaluated 2025-05-20.

Allele frequency attached by ClinVar (database versions not stated): gnomAD exomes below 0.00001; ExAC 0.00002; ESP Exome Variant Server 0.00008.

Submissions (2):

Mayo Clinic Laboratories, Mayo Clinic
Classification: Uncertain significance. Last evaluated: 2025-05-20. Review status: criteria provided, single submitter. Criteria: ACMG Guidelines, 2015. Collection method: clinical testing. Allele origin: germline. Observed: 1 variant allele.
Comment: PP3

GeneDx
Classification: Uncertain significance. Last evaluated: 2022-06-16. Review status: criteria provided, single submitter. Criteria: GeneDx Variant Classification Process June 2021. Collection method: clinical testing. Allele origin: germline. Affected: yes.
Comment: In silico analysis supports that this missense variant has a deleterious effect on protein structure/function; Has not been previously published as pathogenic or benign to our knowledge